The following is an entry in ClinVar:

NM_000440.3(PDE6A):c.285C>G (p.Ser95Arg)

Gene: PDE6A (phosphodiesterase 6A; minus strand). Cytogenetic location: 5q32.
Variant type: single nucleotide variant.
Coding change: c.285C>G on transcript NM_000440.3 (MANE Select); coding-DNA position 285, C replaced by G.
Protein change: p.Ser95Arg; replaces serine 95 with arginine.
Molecular consequence: missense variant.
Genome position (GRCh38, 1-based): chr5:149,944,389, G>C on the plus strand (C>G on the coding strand, the complement: PDE6A is on the minus strand). VCF-style: chr5-149944389-G-C. GRCh37 (hg19) VCF-style: chr5-149323952-G-C.
Other names: short protein forms S95R.
Identifiers: ClinVar variation 1481288 (VCV001481288.9), dbSNP rs765008436, ClinGen allele CA361700517.

ClinVar aggregate classification (germline): Uncertain significance. Review status: criteria provided, multiple submitters, no conflicts (2 of 4 stars). 2 submissions from 2 submitters: Uncertain significance (2). Last evaluated 2023-09-05.

Submissions (2):

Labcorp Genetics (formerly Invitae), Labcorp
Classification: Uncertain significance. Last evaluated: 2023-09-05. Review status: criteria provided, single submitter. Criteria: Invitae Variant Classification Sherloc (09022015). Collection method: clinical testing. Allele origin: germline.
Comment: ClinVar contains an entry for this variant (Variation ID: 1481288). This missense change has been observed in individual(s) with inherited retinal dystrophy (PMID: 30029497). This variant is not present in population databases (gnomAD no frequency). This sequence change replaces serine, which is neutral and polar, with arginine, which is basic and polar, at codon 95 of the PDE6A protein (p.Ser95Arg). Advanced modeling of protein sequence and biophysical properties (such as structural, functional, and spatial information, amino acid conservation, physicochemical variation, residue mobility, and thermodynamic stability) performed at Invitae indicates that this missense variant is not expected to disrupt PDE6A protein function. In summary, the available evidence is currently insufficient to determine the role of this variant in disease. Therefore, it has been classified as a Variant of Uncertain Significance.

Blueprint Genetics
Classification: Uncertain significance. Last evaluated: 2019-10-17. Review status: criteria provided, single submitter. Criteria: ACMG Guidelines, 2015. Collection method: clinical testing. Allele origin: germline.

Literature cited by the submitters: PubMed 30029497 (cited by Labcorp Genetics (formerly Invitae), Labcorp).